The following is an entry in ClinVar:

ClinVar aggregate classification (germline): Uncertain significance. Review status: criteria provided, multiple submitters, no conflicts (2 of 4 stars). 3 submissions from 3 submitters: Uncertain significance (3). Last evaluated 2025-01-27.

Conditions:
Cardiovascular phenotype. Identifiers: MedGen CN230736.
Hypertrophic cardiomyopathy 14. Identifiers: MedGen C2750467, MONDO:0013197, OMIM 613251.

Allele frequency attached by ClinVar (database versions not stated): ExAC 0.00001; gnomAD 0.00002; TOPMed 0.00003.
gnomAD v4.1: 11 of 1,614,128 alleles (0.00068%); highest among the groups gnomAD compares: Admixed American, 0.01%; no homozygotes.

Submissions (3):

Labcorp Genetics (formerly Invitae), Labcorp
Classification: Uncertain significance for Hypertrophic cardiomyopathy 14. Last evaluated: 2025-01-27. Review status: criteria provided, single submitter. Criteria: Invitae Variant Classification Sherloc (09022015). Collection method: clinical testing. Allele origin: germline.
Comment: This sequence change replaces aspartic acid, which is acidic and polar, with asparagine, which is neutral and polar, at codon 1661 of the MYH6 protein (p.Asp1661Asn). This variant is present in population databases (rs771357562, gnomAD 0.009%). This variant has not been reported in the literature in individuals affected with MYH6-related conditions. ClinVar contains an entry for this variant (Variation ID: 1352902). Invitae Evidence Modeling of protein sequence and biophysical properties (such as structural, functional, and spatial information, amino acid conservation, physicochemical variation, residue mobility, and thermodynamic stability) has been performed for this missense variant. However, the output from this modeling did not meet the statistical confidence thresholds required to predict the impact of this variant on MYH6 protein function. In summary, the available evidence is currently insufficient to determine the role of this variant in disease. Therefore, it has been classified as a Variant of Uncertain Significance.

GeneDx
Classification: Uncertain significance. Last evaluated: 2024-09-10. Review status: criteria provided, single submitter. Criteria: GeneDx Variant Classification Process June 2021. Collection method: clinical testing. Allele origin: germline. Affected: yes.
Comment: Not observed at significant frequency in large population cohorts (gnomAD); In silico analysis supports that this missense variant has a deleterious effect on protein structure/function; Identified in an individual with hypertrophic cardiomyopathy who also carried variants in other cardiomyopathy-related genes (PMID: 28771489); This variant is associated with the following publications: (PMID: 28771489)

Ambry Genetics
Classification: Uncertain significance for Cardiovascular phenotype. Last evaluated: 2021-07-07. Review status: criteria provided, single submitter. Criteria: Ambry Variant Classification Scheme 2023. Collection method: clinical testing. Allele origin: germline.
Comment: The p.D1661N variant (also known as c.4981G>A), located in coding exon 32 of the MYH6 gene, results from a G to A substitution at nucleotide position 4981. The aspartic acid at codon 1661 is replaced by asparagine, an amino acid with highly similar properties. This variant co-occurred with a nonsense variant in the MYBPC3 gene in an individual reported to have hypertrophic cardiomyopathy (Mademont-Soler I et al. PLoS One, 2017 Aug;12:e0181465). This amino acid position is well conserved in available vertebrate species. In addition, this alteration is predicted to be tolerated by in silico analysis. Since supporting evidence is limited at this time, the clinical significance of this alteration remains unclear.

Literature cited by the submitters: PubMed 28771489 (cited by Ambry Genetics).

NM_002471.4(MYH6):c.4981G>A (p.Asp1661Asn)

Genes: MYH6 (myosin heavy chain 6; minus strand), LOC126861896 (BRD4-independent group 4 enhancer GRCh37_chr14:23854904-23856103; plus strand). Cytogenetic location: 14q11.2.
Variant type: single nucleotide variant.
Coding change: c.4981G>A on transcript NM_002471.4 (MANE Select); coding-DNA position 4981, G replaced by A.
Protein change: p.Asp1661Asn; replaces aspartic acid 1661 with asparagine.
Molecular consequence: missense variant.
Genome position (GRCh38, 1-based): chr14:23,386,110, C>T on the plus strand (G>A on the coding strand, the complement: MYH6 is on the minus strand). VCF-style: chr14-23386110-C-T. GRCh37 (hg19) VCF-style: chr14-23855319-C-T.
Other names: short protein forms D1661N.
Identifiers: ClinVar variation 1352902 (VCV001352902.9), dbSNP rs771357562, ClinGen allele CA7114581.